The following is an entry in ClinVar:

ClinVar aggregate classification (germline): Conflicting classifications of pathogenicity. Review status: criteria provided, conflicting classifications (1 of 4 stars). 2 submissions from 2 submitters: Uncertain significance (1); Likely benign (1). Last evaluated 2024-06-13.

Allele frequency attached by ClinVar (database versions not stated): ExAC 0.00001; gnomAD exomes 0.00001 and 0.00002; gnomAD 0.00002.
gnomAD v4.1: 21 of 1,604,484 alleles (0.0013%); highest among the groups gnomAD compares: African/African-American, 0.0027%; no homozygotes.

Submissions (2):

Labcorp Genetics (formerly Invitae), Labcorp
Classification: Uncertain significance. Last evaluated: 2024-06-13. Review status: criteria provided, single submitter. Criteria: Invitae Variant Classification Sherloc (09022015). Collection method: clinical testing. Allele origin: germline.
Comment: This sequence change replaces threonine, which is neutral and polar, with serine, which is neutral and polar, at codon 757 of the FGFR3 protein (p.Thr757Ser). This variant is present in population databases (rs748763892, gnomAD 0.02%). This variant has not been reported in the literature in individuals affected with FGFR3-related conditions. ClinVar contains an entry for this variant (Variation ID: 510662). Advanced modeling of protein sequence and biophysical properties (such as structural, functional, and spatial information, amino acid conservation, physicochemical variation, residue mobility, and thermodynamic stability) performed at Invitae indicates that this missense variant is not expected to disrupt FGFR3 protein function with a negative predictive value of 95%. In summary, the available evidence is currently insufficient to determine the role of this variant in disease. Therefore, it has been classified as a Variant of Uncertain Significance.

GeneDx
Classification: Likely benign. Last evaluated: 2017-07-12. Review status: criteria provided, single submitter. Criteria: GeneDx Variant Classification (06012015). Collection method: clinical testing. Allele origin: germline. Affected: yes.
Comment: This variant is considered likely benign or benign based on one or more of the following criteria: it is a conservative change, it occurs at a poorly conserved position in the protein, it is predicted to be benign by multiple in silico algorithms, and/or has population frequency not consistent with disease.

NM_000142.5(FGFR3):c.2270C>G (p.Thr757Ser)

Gene: FGFR3 (fibroblast growth factor receptor 3; plus strand). Cytogenetic location: 4p16.3.
Variant type: single nucleotide variant.
Coding change: c.2270C>G on transcript NM_000142.5 (MANE Select); coding-DNA position 2270, C replaced by G.
Protein change: p.Thr757Ser; replaces threonine 757 with serine.
Molecular consequence: missense variant. On other transcripts: non-coding transcript variant (1).
Genome position (GRCh38, 1-based): chr4:1,806,930, C>G. VCF-style: chr4-1806930-C-G. GRCh37 (hg19) VCF-style: chr4-1808657-C-G.
Other names: c.2276C>G, p.Thr759Ser (NM_001163213.2); c.2273C>G, p.Thr758Ser (NM_001354809.2); c.2202C>G, p.His734Gln (NM_001354810.2); c.1934C>G, p.Thr645Ser (NM_022965.4); short protein forms T757S, T759S, H734Q, T645S, T758S.
Identifiers: ClinVar variation 510662 (VCV000510662.3), dbSNP rs748763892, ClinGen allele CA2810793.